The following is an entry in ClinVar:

NM_001041.4(SI):c.748C>T (p.Arg250Cys)

Gene: SI (sucrase-isomaltase; minus strand). Cytogenetic location: 3q26.1.
Variant type: single nucleotide variant.
Coding change: c.748C>T on transcript NM_001041.4 (MANE Select); coding-DNA position 748, C replaced by T.
Protein change: p.Arg250Cys; replaces arginine 250 with cysteine.
Molecular consequence: missense variant.
Genome position (GRCh38, 1-based): chr3:165,065,320, G>A on the plus strand (C>T on the coding strand, the complement: SI is on the minus strand). VCF-style: chr3-165065320-G-A. GRCh37 (hg19) VCF-style: chr3-164783108-G-A.
Other names: short protein forms R250C.
Identifiers: ClinVar variation 344064 (VCV000344064.9), dbSNP rs200745562, ClinGen allele CA2691339.

ClinVar aggregate classification (germline): Uncertain significance. Review status: criteria provided, multiple submitters, no conflicts (2 of 4 stars). 3 submissions from 3 submitters: Uncertain significance (3). Last evaluated 2024-03-27.

Conditions:
Sucrase-isomaltase deficiency (CSID). Also called: SI DEFICIENCY; Deficiency of isomaltase; Congenital sucrose isomaltose malabsorption; Sucrose isomaltose enzyme deficiency. Identifiers: Orphanet 35122, MedGen C1283620, MONDO:0009114, OMIM 222900.

Allele frequency attached by ClinVar (database versions not stated): gnomAD 0.00006; TOPMed 0.00007; gnomAD exomes 0.00010 and 0.00012; ExAC 0.00015.

Submissions (3):

Fulgent Genetics
Classification: Uncertain significance for Sucrase-isomaltase deficiency. Last evaluated: 2024-03-27. Review status: criteria provided, single submitter. Criteria: ACMG Guidelines, 2015. Collection method: clinical testing. Allele origin: germline.

Labcorp Genetics (formerly Invitae), Labcorp
Classification: Uncertain significance. Last evaluated: 2022-08-15. Review status: criteria provided, single submitter. Criteria: Invitae Variant Classification Sherloc (09022015). Collection method: clinical testing. Allele origin: germline.
Comment: This sequence change replaces arginine, which is basic and polar, with cysteine, which is neutral and slightly polar, at codon 250 of the SI protein (p.Arg250Cys). This variant is present in population databases (rs200745562, gnomAD 0.02%). This missense change has been observed in individual(s) with clinical features of irritable bowel syndrome (PMID: 29408290). ClinVar contains an entry for this variant (Variation ID: 344064). Advanced modeling of protein sequence and biophysical properties (such as structural, functional, and spatial information, amino acid conservation, physicochemical variation, residue mobility, and thermodynamic stability) performed at Invitae indicates that this missense variant is expected to disrupt SI protein function. In summary, the available evidence is currently insufficient to determine the role of this variant in disease. Therefore, it has been classified as a Variant of Uncertain Significance.

Illumina Laboratory Services, Illumina
Classification: Uncertain significance for Sucrase-isomaltase deficiency. Last evaluated: 2018-01-13. Review status: criteria provided, single submitter. Criteria: ICSL Variant Classification Criteria 13 December 2019. Collection method: clinical testing. Allele origin: germline.

Literature cited by the submitters: PubMed 29408290 (cited by Labcorp Genetics (formerly Invitae), Labcorp).